The following is an entry in ClinVar:

NM_002880.4(RAF1):c.1536+3G>A

Gene: RAF1 (Raf-1 proto-oncogene, serine/threonine kinase; minus strand). Cytogenetic location: 3p25.2.
Variant type: single nucleotide variant.
Coding change: c.1536+3G>A on transcript NM_002880.4 (MANE Select); 3 bases into the intron after coding-DNA position 1536, G replaced by A.
Molecular consequence: intron variant.
Genome position (GRCh38, 1-based): chr3:12,585,678, C>T on the plus strand (G>A on the coding strand, the complement: RAF1 is on the minus strand). VCF-style: chr3-12585678-C-T. GRCh37 (hg19) VCF-style: chr3-12627177-C-T.
Other names: c.1353+3G>A (NM_001354694.3); c.1437+3G>A (NM_001354693.3); c.1596+3G>A (NM_001354689.3); c.1293+3G>A (NM_001354691.3, NM_001354692.3); c.1536+3G>A (NM_001354690.3); c.1194+3G>A (NM_001354695.3).
Identifiers: ClinVar variation 2914091 (VCV002914091.3), dbSNP rs2125325401, ClinGen allele CA2577511645.

ClinVar aggregate classification (germline): Uncertain significance (1 of 4 stars; one submission).

Conditions:
RASopathy. Also called: Noonan spectrum disorder; rasopathies. Identifiers: Orphanet 536391, MedGen C5555857, MONDO:0021060.

Allele frequency attached by ClinVar (database versions not stated): gnomAD exomes below 0.00001.
gnomAD v4.1: 1 of 1,609,316 alleles (0.000062%); highest among the groups gnomAD compares: Non-Finnish European, 0.000085%; no homozygotes.

Submission:

Labcorp Genetics (formerly Invitae), Labcorp
Classification: Uncertain significance for RASopathy. Last evaluated: 2022-10-30. Review status: criteria provided, single submitter. Criteria: Invitae Variant Classification Sherloc (09022015). Collection method: clinical testing. Allele origin: germline.
Comment: In summary, the available evidence is currently insufficient to determine the role of this variant in disease. Therefore, it has been classified as a Variant of Uncertain Significance. Variants that disrupt the consensus splice site are a relatively common cause of aberrant splicing (PMID: 17576681, 9536098). Algorithms developed to predict the effect of sequence changes on RNA splicing suggest that this variant may create or strengthen a splice site. This variant has not been reported in the literature in individuals affected with RAF1-related conditions. This variant is not present in population databases (gnomAD no frequency). This sequence change falls in intron 14 of the RAF1 gene. It does not directly change the encoded amino acid sequence of the RAF1 protein. It affects a nucleotide within the consensus splice site.

Literature cited by the submitters: PubMed 17576681; PubMed 9536098.